The following is an entry in ClinVar:

NM_004655.4(AXIN2):c.1160G>A (p.Ser387Asn)

Gene: AXIN2 (axin 2; minus strand). Cytogenetic location: 17q24.1.
Variant type: single nucleotide variant.
Coding change: c.1160G>A on transcript NM_004655.4 (MANE Select); coding-DNA position 1160, G replaced by A.
Protein change: p.Ser387Asn; replaces serine 387 with asparagine.
Molecular consequence: missense variant.
Genome position (GRCh38, 1-based): chr17:65,538,243, C>T on the plus strand (G>A on the coding strand, the complement: AXIN2 is on the minus strand). VCF-style: chr17-65538243-C-T. GRCh37 (hg19) VCF-style: chr17-63534361-C-T.
Other names: c.1160G>A, p.Ser387Asn (NM_001363813.1); short protein forms S387N.
Identifiers: ClinVar variation 937497 (VCV000937497.11), dbSNP rs2043979107, ClinGen allele CA400678272.

ClinVar aggregate classification (germline): Uncertain significance. Review status: criteria provided, multiple submitters, no conflicts (2 of 4 stars). 3 submissions from 3 submitters: Uncertain significance (3). Last evaluated 2026-04-05.

Conditions:
Colorectal cancer. Also called: Colorectal cancer, somatic; Malignant Colorectal Neoplasm. Identifiers: MedGen C0346629, MONDO:0005575, OMIM 114500.
Hereditary cancer-predisposing syndrome. Also called: Hereditary Cancer Syndrome; Neoplastic Syndromes, Hereditary; Tumor predisposition; Hereditary neoplastic syndrome. Identifiers: Orphanet 140162, MedGen C0027672, MeSH D009386, MONDO:0015356.
Oligodontia-cancer predisposition syndrome. Also called: TOOTH AGENESIS-COLORECTAL CANCER SYNDROME. Identifiers: Orphanet 300576, MedGen C1837750, MONDO:0012075, OMIM 608615. Disease mechanism: loss of function.

gnomAD v4.1: 1 of 1,614,158 alleles (0.000062%); highest among the groups gnomAD compares: African/African-American, 0.0013%; no homozygotes.

Submissions (3):

Ambry Genetics
Classification: Uncertain significance for Hereditary cancer-predisposing syndrome. Last evaluated: 2026-04-05. Review status: criteria provided, single submitter. Criteria: Ambry Variant Classification Scheme 2023. Collection method: clinical testing. Allele origin: germline.
Comment: The p.S387N variant (also known as c.1160G>A), located in coding exon 4 of the AXIN2 gene, results from a G to A substitution at nucleotide position 1160. The serine at codon 387 is replaced by asparagine, an amino acid with highly similar properties. This amino acid position is conserved. In addition, this alteration is predicted to be tolerated by in silico analysis. Based on the available evidence, the clinical significance of this variant remains unclear.

Labcorp Genetics (formerly Invitae), Labcorp
Classification: Uncertain significance for Oligodontia-cancer predisposition syndrome. Last evaluated: 2025-07-02. Review status: criteria provided, single submitter. Criteria: Invitae Variant Classification Sherloc (09022015). Collection method: clinical testing. Allele origin: germline.
Comment: This sequence change replaces serine, which is neutral and polar, with asparagine, which is neutral and polar, at codon 387 of the AXIN2 protein (p.Ser387Asn). This variant is not present in population databases (gnomAD no frequency). This variant has not been reported in the literature in individuals affected with AXIN2-related conditions. ClinVar contains an entry for this variant (Variation ID: 937497). Invitae Evidence Modeling of protein sequence and biophysical properties (such as structural, functional, and spatial information, amino acid conservation, physicochemical variation, residue mobility, and thermodynamic stability) indicates that this missense variant is not expected to disrupt AXIN2 protein function with a negative predictive value of 80%. In summary, the available evidence is currently insufficient to determine the role of this variant in disease. Therefore, it has been classified as a Variant of Uncertain Significance.

Baylor Genetics
Classification: Uncertain significance for Colorectal cancer. Last evaluated: 2023-05-02. Review status: criteria provided, single submitter. Criteria: ACMG Guidelines, 2015. Collection method: clinical testing. Allele origin: unknown.